The following is an entry in ClinVar:

ClinVar aggregate classification (germline): Conflicting classifications of pathogenicity. Review status: criteria provided, conflicting classifications (1 of 4 stars). 2 submissions from 2 submitters: Uncertain significance (1); Likely benign (1). Last evaluated 2025-08-09.

Conditions:
Hereditary cancer-predisposing syndrome. Also called: Hereditary Cancer Syndrome; Hereditary neoplastic syndrome; Neoplastic Syndromes, Hereditary; Tumor predisposition. Identifiers: Orphanet 140162, MedGen C0027672, MeSH D009386, MONDO:0015356.

Allele frequency attached by ClinVar (database versions not stated): gnomAD exomes below 0.00001.
gnomAD v4.1: 1 of 1,613,906 alleles (0.000062%); highest among the groups gnomAD compares: African/African-American, 0.0013%; no homozygotes.

Submissions (2):

Ambry Genetics
Classification: Uncertain significance for Hereditary cancer-predisposing syndrome. Last evaluated: 2025-08-09. Review status: criteria provided, single submitter. Criteria: Ambry Variant Classification Scheme 2023. Collection method: clinical testing. Allele origin: germline.
Comment: The p.K1536R variant (also known as c.4607A>G), located in coding exon 10 of the BRCA2 gene, results from an A to G substitution at nucleotide position 4607. The lysine at codon 1536 is replaced by arginine, an amino acid with highly similar properties. This amino acid position is conserved. In addition, the in silico prediction for this alteration is inconclusive. Since supporting evidence is limited at this time, the clinical significance of this alteration remains unclear.

University of Washington Department of Laboratory Medicine, University of Washington
Classification: Likely benign for Hereditary cancer-predisposing syndrome. Last evaluated: 2023-03-23. Review status: criteria provided, single submitter. Criteria: Dines et al. (Genet Med. 2020). Collection method: curation. Allele origin: germline.
Comment: Missense variant in a coldspot region where missense variants are very unlikely to be pathogenic (PMID:31911673).

BRCA2 exon 11 coldspot. Reclassification based on statistical prior probability.

NM_000059.4(BRCA2):c.4607A>G (p.Lys1536Arg)

Gene: BRCA2 (BRCA2 DNA repair associated; plus strand). Cytogenetic location: 13q13.1.
Variant type: single nucleotide variant.
Coding change: c.4607A>G on transcript NM_000059.4 (MANE Select); coding-DNA position 4607, A replaced by G.
Protein change: p.Lys1536Arg; replaces lysine 1536 with arginine.
Molecular consequence: missense variant.
Genome position (GRCh38, 1-based): chr13:32,338,962, A>G. VCF-style: chr13-32338962-A-G. GRCh37 (hg19) VCF-style: chr13-32913099-A-G.
Other names: c.4607A>G, p.Lys1536Arg (NM_001406719.1, NM_001406720.1); short protein forms K1536R.
Identifiers: ClinVar variation 1741849 (VCV001741849.5), dbSNP rs2137508225, ClinGen allele CA387781994.